The following is an entry in ClinVar:

NM_000287.4(PEX6):c.1226T>C (p.Leu409Ser)

Gene: PEX6 (peroxisomal biogenesis factor 6; minus strand). Cytogenetic location: 6p21.1.
Variant type: single nucleotide variant.
Coding change: c.1226T>C on transcript NM_000287.4 (MANE Select); coding-DNA position 1226, T replaced by C.
Protein change: p.Leu409Ser; replaces leucine 409 with serine.
Molecular consequence: missense variant. On other transcripts: non-coding transcript variant (1).
Genome position (GRCh38, 1-based): chr6:42,969,892, A>G on the plus strand (T>C on the coding strand, the complement: PEX6 is on the minus strand). VCF-style: chr6-42969892-A-G. GRCh37 (hg19) VCF-style: chr6-42937630-A-G.
Other names: c.962T>C, p.Leu321Ser (NM_001316313.2); short protein forms L321S, L409S.
Identifiers: ClinVar variation 837485 (VCV000837485.9), dbSNP rs1355523119, ClinGen allele CA364156026.

ClinVar aggregate classification (germline): Uncertain significance. Review status: criteria provided, multiple submitters, no conflicts (2 of 4 stars). 3 submissions from 3 submitters: Uncertain significance (2). 1 of the submissions does not count toward it. Last evaluated 2025-10-10.

Conditions:
PEX6-related disorder. Also called: PEX6-related disorders; PEX6-related condition.
Peroxisome biogenesis disorder. Identifiers: Orphanet 79189, MedGen C1832200, MONDO:0019234. Disease mechanism: loss of function.
Zellweger spectrum disorders (ZS). Also called: Zellweger Spectrum Disorder (ZSD); Zellweger syndrome; Zellweger Spectrum Disorder; Zellweger Spectrum. Identifiers: Orphanet 912, MedGen C0043459, MONDO:0019609.

Allele frequency attached by ClinVar (database versions not stated): gnomAD exomes below 0.00001.
gnomAD v4.1: 1 of 1,614,208 alleles (0.000062%); highest among the groups gnomAD compares: Admixed American, 0.0017%; no homozygotes.

Submissions (3):

PreventionGenetics, part of Exact Sciences
Classification: Uncertain significance for PEX6-related condition. Last evaluated: 2025-10-10. Review status: criteria provided, single submitter. Criteria: ACMG Guidelines, 2015. Collection method: clinical testing. Allele origin: germline.
Comment: The PEX6 c.1226T>C variant is predicted to result in the amino acid substitution p.Leu409Ser. To our knowledge, this variant has not been reported in the literature. This variant is reported in 0.0029% of alleles in individuals of Latino descent in gnomAD. At this time, the clinical significance of this variant is uncertain due to the absence of conclusive functional and genetic evidence.

Labcorp Genetics (formerly Invitae), Labcorp
Classification: Uncertain significance for Peroxisome biogenesis disorder. Last evaluated: 2022-10-13. Review status: criteria provided, single submitter. Criteria: Invitae Variant Classification Sherloc (09022015). Collection method: clinical testing. Allele origin: germline.
Comment: This sequence change replaces leucine, which is neutral and non-polar, with serine, which is neutral and polar, at codon 409 of the PEX6 protein (p.Leu409Ser). This variant is present in population databases (no rsID available, gnomAD 0.003%). This variant has not been reported in the literature in individuals affected with PEX6-related conditions. ClinVar contains an entry for this variant (Variation ID: 837485). Advanced modeling of protein sequence and biophysical properties (such as structural, functional, and spatial information, amino acid conservation, physicochemical variation, residue mobility, and thermodynamic stability) has been performed at Invitae for this missense variant, however the output from this modeling did not meet the statistical confidence thresholds required to predict the impact of this variant on PEX6 protein function. In summary, the available evidence is currently insufficient to determine the role of this variant in disease. Therefore, it has been classified as a Variant of Uncertain Significance.

Natera, Inc.
Classification: Uncertain significance for Zellweger syndrome. Last evaluated: 2020-01-24. Review status: no assertion criteria provided. Collection method: clinical testing. Allele origin: germline. Not counted in ClinVar's aggregate classification.